The following is an entry in ClinVar:

ClinVar aggregate classification (germline): Benign (1 of 4 stars; one submission).

Allele frequency attached by ClinVar (database versions not stated): 1000 Genomes Project 30x 0.41052; 1000 Genomes Project 0.41394; gnomAD 0.42990 and 0.43401; TOPMed 0.43291.
gnomAD v4.1: 65,253 of 151,892 alleles (43%); highest among the groups gnomAD compares: Admixed American, 51%; 14,219 homozygotes.

Submission:

GeneDx
Classification: Benign. Last evaluated: 2018-06-14. Review status: criteria provided, single submitter. Criteria: GeneDx Variant Classification (06012015). Collection method: clinical testing. Allele origin: germline. Affected: yes.
Comment: This variant is considered likely benign or benign based on one or more of the following criteria: it is a conservative change, it occurs at a poorly conserved position in the protein, it is predicted to be benign by multiple in silico algorithms, and/or has population frequency not consistent with disease.

NM_000260.4(MYO7A):c.1343+253C>G

Gene: MYO7A (myosin VIIA; plus strand). Cytogenetic location: 11q13.5.
Variant type: single nucleotide variant.
Coding change: c.1343+253C>G on transcript NM_000260.4 (MANE Select); 253 bases into the intron after coding-DNA position 1343, C replaced by G.
Molecular consequence: intron variant.
Genome position (GRCh38, 1-based): chr11:77,161,368, C>G. VCF-style: chr11-77161368-C-G. GRCh37 (hg19) VCF-style: chr11-76872414-C-G.
Other names: c.1310+253C>G (NM_001369365.1); c.1343+253C>G (NM_001127180.2).
Identifiers: ClinVar variation 680661 (VCV000680661.1), dbSNP rs11605022, ClinGen allele CA13389087.